The following is an entry in ClinVar:

ClinVar aggregate classification (germline): Uncertain significance (1 of 4 stars; one submission).

Conditions:
Long QT syndrome (LQTS). Identifiers: MedGen C0023976, MeSH D008133, MONDO:0002442. Disease mechanism: loss of function. Inheritance: Various modes of inheritance.

Submission:

Labcorp Genetics (formerly Invitae), Labcorp
Classification: Uncertain significance for Long QT syndrome. Last evaluated: 2022-03-09. Review status: criteria provided, single submitter. Criteria: Invitae Variant Classification Sherloc (09022015). Collection method: clinical testing. Allele origin: germline.
Comment: In summary, the available evidence is currently insufficient to determine the role of this variant in disease. Therefore, it has been classified as a Variant of Uncertain Significance. Algorithms developed to predict the effect of missense changes on protein structure and function are either unavailable or do not agree on the potential impact of this missense change (SIFT: "Deleterious"; PolyPhen-2: "Probably Damaging"; Align-GVGD: "Class C15"). ClinVar contains an entry for this variant (Variation ID: 858913). This variant has not been reported in the literature in individuals affected with KCNH2-related conditions. This variant is not present in population databases (gnomAD no frequency). This sequence change replaces proline, which is neutral and non-polar, with histidine, which is basic and polar, at codon 605 of the KCNH2 protein (p.Pro605His).

NM_000238.4(KCNH2):c.1814C>A (p.Pro605His)

Gene: KCNH2 (potassium voltage-gated channel subfamily H member 2; minus strand). Cytogenetic location: 7q36.1.
Variant type: single nucleotide variant.
Coding change: c.1814C>A on transcript NM_000238.4 (MANE Select); coding-DNA position 1814, C replaced by A.
Protein change: p.Pro605His; replaces proline 605 with histidine.
Molecular consequence: missense variant.
Genome position (GRCh38, 1-based): chr7:150,951,579, G>T on the plus strand (C>A on the coding strand, the complement: KCNH2 is on the minus strand). VCF-style: chr7-150951579-G-T. GRCh37 (hg19) VCF-style: chr7-150648667-G-T.
Other names: c.794C>A, p.Pro265His (NM_001204798.2, NM_172057.3); c.1526C>A, p.Pro509His (NM_001406753.1, NM_001406756.1); c.1637C>A, p.Pro546His (NM_001406755.1); c.1514C>A, p.Pro505His (NM_001406757.1); c.1814C>A, p.Pro605His (NM_172056.3); short protein forms P605H, P265H, P509H, P505H, P546H.
Identifiers: ClinVar variation 858913 (VCV000858913.10), dbSNP rs199472938, ClinGen allele CA369858022.
Genomic context (GRCh38, chr7:150,951,579, plus strand): 5'-ACACTGGTGAGGCTGCTGAAGGTGAAGTAGAGCGCCGTCACATACTTGTCCTTGATGGAG[G>T]GGCCGCCCAGGCCGCTGCTGTTGTAGGGTTTGCCTATCTGGTCGCCCAGGTTGTGCAGCC-3'
Protein context (NP_000229.1, residues 595-615): KPYNSSGLGG[Pro605His]SIKDKYVTAL